The following is an entry in ClinVar:

ClinVar aggregate classification (germline): Conflicting classifications of pathogenicity. Review status: criteria provided, conflicting classifications (1 of 4 stars). 3 submissions from 3 submitters: Likely pathogenic (1); Uncertain significance (2). Last evaluated 2022-10-12.

Conditions:
Cyclical neutropenia. Also called: Cyclic Neutropenia; Cyclic hematopoiesis. Identifiers: Orphanet 2686, MedGen C0221023, MONDO:0008090, OMIM 162800, HP:0040289. Disease mechanism: loss of function.
Neutropenia, severe congenital, 1, autosomal dominant. Identifiers: MedGen C1859966, MONDO:0042490, OMIM 202700.

Submissions (3):

Labcorp Genetics (formerly Invitae), Labcorp
Classification: Uncertain significance for Neutropenia, severe congenital, 1, autosomal dominant; Cyclical neutropenia. Last evaluated: 2022-10-12. Review status: criteria provided, single submitter. Criteria: Invitae Variant Classification Sherloc (09022015). Collection method: clinical testing. Allele origin: germline.
Comment: In summary, the available evidence is currently insufficient to determine the role of this variant in disease. Therefore, it has been classified as a Variant of Uncertain Significance. ClinVar contains an entry for this variant (Variation ID: 242303). This variant has not been reported in the literature in individuals affected with ELANE-related conditions. This variant is present in population databases (rs767721669, gnomAD 0.001%). This variant, c.258_269dup, results in the insertion of 4 amino acid(s) of the ELANE protein (p.His87_Ser90dup), but otherwise preserves the integrity of the reading frame.

Blueprint Genetics
Classification: Uncertain significance. Last evaluated: 2022-07-19. Review status: criteria provided, single submitter. Criteria: ACMG Guidelines, 2015. Collection method: clinical testing. Allele origin: germline.

GeneDx
Classification: Likely pathogenic. Last evaluated: 2016-01-08. Review status: criteria provided, single submitter. Criteria: GeneDx Variant Classification (06012015). Collection method: clinical testing. Allele origin: germline. Affected: yes.
Comment: The c.258_269dup12 variant in the ELA2 gene is not predicted to cause loss of normal protein function either through protein truncation nor nonsense-mediated mRNA decay; however, it results in an in-frame duplication of four amino acids, denoted p.His87_Ser90dup. This in-frame duplication occurs in the peptidase S1 domain of the protein, which is a non-repeated region that lacks benign variation. In addition, the c.258_269dup12 variant was not observed in approximately 6,500 individuals of European and African American ancestry in the NHLBI Exome Sequencing Project, indicating it is not a common benign variant in these populations. Therefore, this variant is likely pathogenic; however, the possibility that it is benign cannot be excluded.

NM_001972.4(ELANE):c.258_269dup (p.His87_Ser90dup)

Gene: ELANE (elastase, neutrophil expressed; plus strand). Cytogenetic location: 19p13.3.
Variant type: Duplication.
Coding change: c.258_269dup on transcript NM_001972.4 (MANE Select); coding-DNA positions 258 to 269, 12 bases duplicated (CCATAACCTCTC).
Protein change: p.His87_Ser90dup.
Molecular consequence: inframe insertion.
Genome position (GRCh38, 1-based): chr19:853,295-853,306, CCATAACCTCTC duplicated; duplicating any 12 consecutive bases within chr19:853,294-853,306 gives the same sequence; the c. name uses the placement nearest the transcript's 3' end. VCF-style (leftmost placement, unchanged base first): chr19-853293-G-GCCCATAACCTCT. GRCh37 (hg19) VCF-style: chr19-853293-G-GCCCATAACCTCT.
Other names: c.258_269dup (LRG_57t1).
Identifiers: ClinVar variation 242303 (VCV000242303.8), dbSNP rs1468631555, ClinGen allele CA9025985.